The following is an entry in ClinVar:

ClinVar aggregate classification (germline): Uncertain significance (1 of 4 stars; one submission).

Submission:

Labcorp Genetics (formerly Invitae), Labcorp
Classification: Uncertain significance. Last evaluated: 2025-07-08. Review status: criteria provided, single submitter. Criteria: Invitae Variant Classification Sherloc (09022015). Collection method: clinical testing. Allele origin: germline.
Comment: This sequence change replaces aspartic acid, which is acidic and polar, with alanine, which is neutral and non-polar, at codon 42 of the CARD8 protein (p.Asp42Ala). This variant is not present in population databases (gnomAD no frequency). This variant has not been reported in the literature in individuals affected with CARD8-related conditions. An algorithm developed to predict the effect of missense changes on protein structure and function (PolyPhen-2) suggests that this variant is likely to be tolerated. In summary, the available evidence is currently insufficient to determine the role of this variant in disease. Therefore, it has been classified as a Variant of Uncertain Significance.

NM_001184900.3(CARD8):c.275A>C (p.Asp92Ala)

Gene: CARD8 (caspase recruitment domain family member 8; minus strand). Cytogenetic location: 19q13.33.
Variant type: single nucleotide variant.
Coding change: c.275A>C on transcript NM_001184900.3 (MANE Select); coding-DNA position 275, A replaced by C.
Protein change: p.Asp92Ala; replaces aspartic acid 92 with alanine.
Molecular consequence: missense variant. On other transcripts: initiator codon variant (5), 5 prime UTR variant (1), non-coding transcript variant (4).
Genome position (GRCh38, 1-based): chr19:48,234,478, T>G on the plus strand (A>C on the coding strand, the complement: CARD8 is on the minus strand). VCF-style: chr19-48234478-T-G. GRCh37 (hg19) VCF-style: chr19-48737735-T-G.
Other names: c.125A>C, p.Asp42Ala (NM_001184901.1, NM_001351783.2, NM_001351788.2 and 2 more transcripts); c.275A>C, p.Asp92Ala (NM_001184902.2, NM_001184903.1, NM_001351782.2); c.1A>C, p.Met1Leu (NM_001351784.2, NM_001351787.2, NM_001351791.2 and 2 more transcripts); c.-214A>C (NM_001351786.2); c.73A>C, p.Met25Leu (NM_001351790.2); short protein forms D42A, M25L, D92A, M1L.
Identifiers: ClinVar variation 4722884 (VCV004722884.1).
Genomic context (GRCh38, chr19:48,234,478, plus strand): 5'-CCAGATAGTTGACACTCAGGAACAGCACGGAACAATAATGGCTCTGCCTCTGTCTCATCA[T>G]CTTCTTGGAAAAAATGTGAGATGTCACAAAGGGTCTCAGAAACACAGGGTAGCTCCCTGT-3'
Protein context (NP_001171829.1, residues 82-102): LCDISHFFQE[Asp92Ala]DETEAEPLLF